The following is an entry in ClinVar:

ClinVar aggregate classification (germline): Conflicting classifications of pathogenicity. Review status: criteria provided, conflicting classifications (1 of 4 stars). 2 submissions from 2 submitters: Likely pathogenic (1); Uncertain significance (1). Last evaluated 2023-09-19.

Conditions:
Neurodevelopmental disorder with dysmorphic facies and distal limb anomalies. Identifiers: Orphanet 686482, MedGen C4540327, MONDO:0060596, OMIM 617755.

Submissions (2):

GeneDx
Classification: Likely pathogenic. Last evaluated: 2023-09-19. Review status: criteria provided, single submitter. Criteria: GeneDx Variant Classification Process June 2021. Collection method: clinical testing. Allele origin: germline. Affected: yes.
Comment: In-frame deletion of 4 amino acids in a non-repeat region; In silico analysis supports a deleterious effect on protein structure/function; Not observed at significant frequency in large population cohorts (gnomAD); This variant is associated with the following publications: (PMID: 33522091)

HudsonAlpha Institute for Biotechnology
Classification: Uncertain significance for Neurodevelopmental disorder with dysmorphic facies and distal limb anomalies. Last evaluated: 2018-08-30. Review status: criteria provided, single submitter. Criteria: ACMG Guidelines, 2015. Collection method: research. Allele origin: paternal. Observed: 1 variant allele. Study: HudsonAlpha-AGHI-WGS.

NM_182641.4(BPTF):c.2832_2843del (p.941_944NMDE[1])

Gene: BPTF (bromodomain PHD finger transcription factor; plus strand). Cytogenetic location: 17q24.2.
Variant type: Deletion.
Coding change: c.2832_2843del on transcript NM_182641.4 (MANE Select); coding-DNA positions 2832 to 2843, 12 bases deleted (AAATATGGATGA).
Protein change: p.941_944NMDE[1].
Molecular consequence: inframe deletion.
Genome position (GRCh38, 1-based): chr17:67,909,601-67,909,612, AAATATGGATGA deleted; deleting any 12 consecutive bases within chr17:67,909,590-67,909,612 gives the same sequence; the c. name uses the placement nearest the transcript's 3' end. VCF-style (leftmost placement, unchanged base first): chr17-67909589-TAATATGGATGAA-T. GRCh37 (hg19) VCF-style: chr17-65905705-TAATATGGATGAA-T.
Other names: c.3199_3210delAATATGGATGAA (NM_004459.6); c.3210_3221del (NM_004459.6); c.3210_3221del, p.1067_1070NMDE[1] (NM_004459.7).
Identifiers: ClinVar variation 690388 (VCV000690388.2), dbSNP rs749412697, ClinGen allele CA8725534.